The following is an entry in ClinVar:

ClinVar aggregate classification (germline): Benign. Review status: criteria provided, multiple submitters, no conflicts (2 of 4 stars). 10 submissions from 7 submitters: Benign (10). Last evaluated 2026-02-03.

Conditions:
Neuropathy, congenital hypomyelinating, 2. Identifiers: MedGen C4722277, MONDO:0020765, OMIM 618184.
Charcot-Marie-Tooth disease, type I (CMT1). Also called: Charcot-Marie-Tooth disease type 1; Charcot-Marie-Tooth, Type 1. Identifiers: Orphanet 65753, MedGen C0751036, MONDO:0019011.
Charcot-Marie-Tooth disease type 1B. Also called: CHARCOT-MARIE-TOOTH DISEASE, AUTOSOMAL DOMINANT, WITH FOCALLY FOLDED MYELIN SHEATHS, TYPE 1B; CHARCOT-MARIE-TOOTH DISEASE, SLOW NERVE CONDUCTION TYPE, LINKED TO DUFFY; CHARCOT-MARIE-TOOTH NEUROPATHY, TYPE 1B; Charcot-Marie-Tooth disease, demyelinating, type 1b; Hereditary motor and sensory neuropathy 1B; Charcot-Marie-Tooth disease, type IB. Identifiers: Orphanet 101082, MedGen C0270912, MONDO:0007307, OMIM 118200.
Charcot-Marie-Tooth disease dominant intermediate D. Also called: CHARCOT-MARIE-TOOTH NEUROPATHY, DOMINANT INTERMEDIATE D; Charcot-Marie-Tooth disease dominant intermediate 3; CMT DI3. Identifiers: Orphanet 100046, MedGen C1843075, MONDO:0011909, OMIM 607791.
Roussy-Lévy syndrome. Also called: Roussy Levy hereditary areflexic dystasia; Roussy-Levy disease; Hereditary areflexic dystasia; Roussy-Levy Syndrome. Identifiers: Orphanet 3115, MedGen C0205713, MONDO:0008392, OMIM 180800.

Allele frequency attached by ClinVar (database versions not stated): ESP Exome Variant Server 0.01668; gnomAD 0.01850 and 0.02436; TOPMed 0.02080; gnomAD exomes 0.04104; ExAC 0.04299; 1000 Genomes Project 30x 0.06449; 1000 Genomes Project 0.07109.
gnomAD v4.1: 54,496 of 1,614,174 alleles (3.4%); highest among the groups gnomAD compares: East Asian, 23%; 2,489 homozygotes.

Submissions (10):

Labcorp Genetics (formerly Invitae), Labcorp
Classification: Benign for Charcot-Marie-Tooth disease, type I. Last evaluated: 2026-02-03. Review status: criteria provided, single submitter. Criteria: Invitae Variant Classification Sherloc (09022015). Collection method: clinical testing. Allele origin: germline.

Athena Diagnostics
Classification: Benign. Last evaluated: 2025-03-28. Review status: criteria provided, single submitter. Criteria: Athena Diagnostics Criteria. Collection method: clinical testing. Allele origin: unknown.
Comment: The frequency of this variant in the general population is higher than would generally be expected for pathogenic variants in this gene.

Illumina Laboratory Services, Illumina
Classification: Benign for Charcot-Marie-Tooth disease dominant intermediate D. Last evaluated: 2018-01-12. Review status: criteria provided, single submitter. Criteria: ICSL Variant Classification Criteria 13 December 2019. Collection method: clinical testing. Allele origin: germline.
Comment: This variant was observed in the ICSL laboratory as part of a predisposition screen in an ostensibly healthy population. It had not been previously curated by ICSL or reported in the Human Gene Mutation Database (HGMD: prior to June 1st, 2018), and was therefore a candidate for classification through an automated scoring system. Utilizing variant allele frequency, disease prevalence and penetrance estimates, and inheritance mode, an automated score was calculated to assess if this variant is too frequent to cause the disease. Based on the score and internal cut-off values, a variant classified as benign is not then subjected to further curation. The score for this variant resulted in a classification of benign for this disease.

Illumina Laboratory Services, Illumina
Classification: Benign for Charcot-Marie-Tooth disease type 1B. Last evaluated: 2018-01-12. Review status: criteria provided, single submitter. Criteria: ICSL Variant Classification Criteria 13 December 2019. Collection method: clinical testing. Allele origin: germline.
Comment: the same text as in the submission from Illumina Laboratory Services, Illumina above.

Illumina Laboratory Services, Illumina
Classification: Benign for Roussy-Lévy syndrome. Last evaluated: 2018-01-12. Review status: criteria provided, single submitter. Criteria: ICSL Variant Classification Criteria 13 December 2019. Collection method: clinical testing. Allele origin: germline.
Comment: the same text as in the submission from Illumina Laboratory Services, Illumina above.

Illumina Laboratory Services, Illumina
Classification: Benign for Neuropathy, congenital hypomyelinating, 2. Last evaluated: 2018-01-12. Review status: criteria provided, single submitter. Criteria: ICSL Variant Classification Criteria 13 December 2019. Collection method: clinical testing. Allele origin: germline.
Comment: the same text as in the submission from Illumina Laboratory Services, Illumina above.

Mayo Clinic Laboratories, Mayo Clinic
Classification: Benign. Last evaluated: 2016-05-27. Review status: criteria provided, single submitter. Criteria: ACMG Guidelines, 2015. Collection method: clinical testing. Allele origin: germline. Observed: 101 variant alleles.

GeneDx
Classification: Benign. Last evaluated: 2014-03-07. Review status: criteria provided, single submitter. Criteria: GeneDx Variant Classification (06012015). Collection method: clinical testing. Allele origin: germline. Affected: yes.
Comment: This variant is considered likely benign or benign based on one or more of the following criteria: it is a conservative change, it occurs at a poorly conserved position in the protein, it is predicted to be benign by multiple in silico algorithms, and/or has population frequency not consistent with disease.

Breakthrough Genomics
Classification: Benign. Review status: criteria provided, single submitter. Criteria: ACMG Guidelines, 2015. Collection method: not provided. Allele origin: germline. Inheritance: Autosomal recessive inheritance. Affected: yes.

PreventionGenetics, part of Exact Sciences
Classification: Benign. Review status: criteria provided, single submitter. Criteria: ACMG Guidelines, 2015. Collection method: clinical testing. Allele origin: germline.

Literature cited by the submitters: PubMed 11545686 (cited by Athena Diagnostics); PubMed 8664899 (cited by Athena Diagnostics); PubMed 9187667 (cited by Athena Diagnostics); PubMed 15241803 (cited by Athena Diagnostics).

NM_000530.8(MPZ):c.600G>A (p.Gly200=)

Gene: MPZ (myelin protein zero; minus strand). Cytogenetic location: 1q23.3.
Variant type: single nucleotide variant.
Coding change: c.600G>A on transcript NM_000530.8 (MANE Select); coding-DNA position 600, G replaced by A.
Protein change: p.Gly200=; no amino-acid change (glycine 200 retained).
Molecular consequence: synonymous variant.
Genome position (GRCh38, 1-based): chr1:161,306,153, C>T on the plus strand (G>A on the coding strand, the complement: MPZ is on the minus strand). VCF-style: chr1-161306153-C-T. GRCh37 (hg19) VCF-style: chr1-161275943-C-T.
Other names: p.G200G:GGG>GGA; p.Gly200=; c.600G>A (LRG_256t1); c.600G>A, p.Gly200= (NM_001315491.2).
Identifiers: ClinVar variation 138242 (VCV000138242.21), dbSNP rs16832790, ClinGen allele CA292125.